The following is an entry in ClinVar:

ClinVar aggregate classification (germline): Benign/Likely benign. Review status: criteria provided, multiple submitters, no conflicts (2 of 4 stars). 8 submissions from 8 submitters: Benign (1); Likely benign (6). 1 of the submissions does not count toward it. Last evaluated 2025-09-15.

Conditions:
Marfan syndrome (MFS). Also called: MARFAN SYNDROME, TYPE I; FBN1-Related Marfan Syndrome; Marfan syndrome type 1; Marfan's syndrome; Marfan syndrome, classic. Identifiers: Orphanet 284963, Orphanet 558, MedGen C0024796, MONDO:0007947, OMIM 154700.
Familial thoracic aortic aneurysm and aortic dissection (TAAD). Also called: Thoracic aortic aneurysms and dissections. Identifiers: Orphanet 91387, MedGen C4707243, MONDO:0019625.
FBN1-related disorder. Also called: FBN1-related disorders.

Allele frequency attached by ClinVar (database versions not stated): ExAC 0.00002; gnomAD 0.00007; TOPMed 0.00009; 1000 Genomes Project 30x 0.00016; gnomAD exomes 0.00002 and 0.00001; 1000 Genomes Project 0.00020.
gnomAD v4.1: 22 of 1,611,836 alleles (0.0014%); highest among the groups gnomAD compares: African/African-American, 0.029%; no homozygotes.

Submissions (8):

Labcorp Genetics (formerly Invitae), Labcorp
Classification: Benign for Marfan syndrome; Familial thoracic aortic aneurysm and aortic dissection. Last evaluated: 2025-09-15. Review status: criteria provided, single submitter. Criteria: Invitae Variant Classification Sherloc (09022015). Collection method: clinical testing. Allele origin: germline.

Mayo Clinic Laboratories, Mayo Clinic
Classification: Likely benign. Last evaluated: 2025-06-12. Review status: criteria provided, single submitter. Criteria: ACMG Guidelines, 2015. Collection method: clinical testing. Allele origin: germline. Observed: 1 variant allele.
Comment: BP4, BP7

All of Us Research Program, National Institutes of Health
Classification: Likely benign for Marfan syndrome. Last evaluated: 2023-12-01. Review status: criteria provided, single submitter. Criteria: ACMG Guidelines, 2015. Collection method: clinical testing. Allele origin: germline. Inheritance: Autosomal dominant inheritance. Observed: 7 variant alleles, 7 heterozygotes.
Comment: This study involves interpretation of variants in research participants for the purpose of population health screening. Participant phenotype was not available at the time of variant classification. Additional details can be found in publication PMID: 35346344, PMCID: PMC8962531

Ambry Genetics
Classification: Likely benign for Familial thoracic aortic aneurysm and aortic dissection. Last evaluated: 2022-07-23. Review status: criteria provided, single submitter. Criteria: Ambry Variant Classification Scheme 2023. Collection method: clinical testing. Allele origin: germline.

GeneDx
Classification: Likely benign. Last evaluated: 2022-05-05. Review status: criteria provided, single submitter. Criteria: GeneDx Variant Classification Process June 2021. Collection method: clinical testing. Allele origin: germline. Affected: yes.

Color Diagnostics, LLC DBA Color Health
Classification: Likely benign for Familial thoracic aortic aneurysm and aortic dissection. Last evaluated: 2021-01-11. Review status: criteria provided, single submitter. Criteria: ACMG Guidelines, 2015. Collection method: clinical testing. Allele origin: germline.

Women's Health and Genetics/Laboratory Corporation of America, LabCorp
Classification: Likely benign. Last evaluated: 2019-08-28. Review status: criteria provided, single submitter. Criteria: LabCorp Variant Classification Summary - May 2015. Collection method: clinical testing. Allele origin: germline.

PreventionGenetics, part of Exact Sciences
Classification: Likely benign for FBN1-related condition. Last evaluated: 2019-08-26. Review status: no assertion criteria provided. Collection method: clinical testing. Allele origin: germline. Not counted in ClinVar's aggregate classification.
Comment: This variant is classified as likely benign based on ACMG/AMP sequence variant interpretation guidelines (Richards et al. 2015 PMID: 25741868, with internal and published modifications).

NM_000138.5(FBN1):c.2772C>T (p.Gly924=)

Gene: FBN1 (fibrillin 1; minus strand). Cytogenetic location: 15q21.1.
Variant type: single nucleotide variant.
Coding change: c.2772C>T on transcript NM_000138.5 (MANE Select); coding-DNA position 2772, C replaced by T.
Protein change: p.Gly924=; no amino-acid change (glycine 924 retained).
Molecular consequence: synonymous variant.
Genome position (GRCh38, 1-based): chr15:48,492,543, G>A on the plus strand (C>T on the coding strand, the complement: FBN1 is on the minus strand). VCF-style: chr15-48492543-G-A. GRCh37 (hg19) VCF-style: chr15-48784740-G-A.
Other names: p.Gly924=.
Identifiers: ClinVar variation 495579 (VCV000495579.21), dbSNP rs539699143, ClinGen allele CA048814.